The following is an entry in ClinVar:

ClinVar aggregate classification (germline): Conflicting classifications of pathogenicity. Review status: criteria provided, conflicting classifications (1 of 4 stars). 4 submissions from 4 submitters: Uncertain significance (2); Likely benign (1). 1 of the submissions does not count toward it. Last evaluated 2025-08-19.

Conditions:
Primary hyperoxaluria, type II (HP2). Also called: Primary hyperoxaluria type 2; D-GLYCERATE DEHYDROGENASE DEFICIENCY; GLYCERIC ACIDURIA; GLYOXYLATE REDUCTASE/HYDROXYPYRUVATE REDUCTASE DEFICIENCY; OXALOSIS II. Identifiers: Orphanet 416, Orphanet 93599, MedGen C0268165, MONDO:0009824, OMIM 260000. Disease mechanism: loss of function.
Nephrolithiasis/nephrocalcinosis. Identifiers: MedGen CN580796.

Allele frequency attached by ClinVar (database versions not stated): gnomAD 0.00008 and 0.00010; TOPMed 0.00010; ExAC 0.00013; gnomAD exomes 0.00013 and 0.00014; ESP Exome Variant Server 0.00015; 1000 Genomes Project 30x 0.00047; 1000 Genomes Project 0.00060.
gnomAD v4.1: 218 of 1,613,702 alleles (0.014%); highest among the groups gnomAD compares: Admixed American, 0.038%; no homozygotes.

Submissions (4):

Ambry Genetics
Classification: Uncertain significance for Nephrolithiasis/nephrocalcinosis. Last evaluated: 2025-08-19. Review status: criteria provided, single submitter. Criteria: Ambry Variant Classification Scheme 2023. Collection method: clinical testing. Allele origin: germline.
Comment: The p.F230L variant (also known as c.690C>A), located in coding exon 7 of the GRHPR gene, results from a C to A substitution at nucleotide position 690. The phenylalanine at codon 230 is replaced by leucine, an amino acid with highly similar properties. This amino acid position is conserved. In addition, this alteration is predicted to be tolerated by in silico analysis. Since supporting evidence is limited at this time, the clinical significance of this alteration remains unclear.

Labcorp Genetics (formerly Invitae), Labcorp
Classification: Likely benign. Last evaluated: 2025-08-18. Review status: criteria provided, single submitter. Criteria: Invitae Variant Classification Sherloc (09022015). Collection method: clinical testing. Allele origin: germline.

Illumina Laboratory Services, Illumina
Classification: Uncertain significance for Primary hyperoxaluria, type II. Last evaluated: 2018-01-12. Review status: criteria provided, single submitter. Criteria: ICSL Variant Classification Criteria 13 December 2019. Collection method: clinical testing. Allele origin: germline.

Department of Pathology and Laboratory Medicine, Sinai Health System
Classification: Uncertain significance. Review status: no assertion criteria provided. Collection method: clinical testing. Allele origin: unknown. Affected: yes. Study: The Canadian Open Genetics Repository (COGR). Not counted in ClinVar's aggregate classification.
Comment: The GRHPR p.Phe230Leu variant was not identified in the literature nor was it identified in ClinVar. The variant was identified in dbSNP (ID: rs185747820) and in control databases in 35 of 282812 chromosomes at a frequency of 0.0001238 (Genome Aggregation Database March 6, 2019, v2.1.1). The variant was observed in the following populations: Latino in 13 of 35428 chromosomes (freq: 0.000367), Other in 2 of 7224 chromosomes (freq: 0.000277) and European (non-Finnish) in 20 of 129138 chromosomes (freq: 0.000155), but was not observed in the African, Ashkenazi Jewish, East Asian, European (Finnish), or South Asian populations. The p.Phe230 residue is conserved in mammals but not in more distantly related organisms however four out of five computational analyses (PolyPhen-2, SIFT, AlignGVGD, BLOSUM, MutationTaster) do not suggest a high likelihood of impact to the protein; this information is not predictive enough to rule out pathogenicity. The variant occurs outside of the splicing consensus sequence and in silico or computational prediction software programs (SpliceSiteFinder, MaxEntScan, NNSPLICE, GeneSplicer) do not predict a difference in splicing. In summary, based on the above information the clinical significance of this variant cannot be determined with certainty at this time. This variant is classified as a variant of uncertain significance.

NM_012203.2(GRHPR):c.690C>A (p.Phe230Leu)

Gene: GRHPR (glyoxylate and hydroxypyruvate reductase; plus strand). Cytogenetic location: 9p13.2.
Variant type: single nucleotide variant.
Coding change: c.690C>A on transcript NM_012203.2 (MANE Select); coding-DNA position 690, C replaced by A.
Protein change: p.Phe230Leu; replaces phenylalanine 230 with leucine.
Molecular consequence: missense variant.
Genome position (GRCh38, 1-based): chr9:37,430,602, C>A. VCF-style: chr9-37430602-C-A. GRCh37 (hg19) VCF-style: chr9-37430599-C-A.
Other names: short protein forms F230L.
Identifiers: ClinVar variation 913660 (VCV000913660.17), dbSNP rs185747820, ClinGen allele CA5059178.